The following is an entry in ClinVar:

ClinVar aggregate classification (germline): Uncertain significance (1 of 4 stars; one submission).

gnomAD v4.1: 2 of 1,613,936 alleles (0.00012%); no homozygotes.

Submission:

Labcorp Genetics (formerly Invitae), Labcorp
Classification: Uncertain significance. Last evaluated: 2017-08-27. Review status: criteria provided, single submitter. Criteria: Invitae Variant Classification Sherloc (09022015). Collection method: clinical testing. Allele origin: germline.
Comment: In summary, the available evidence is currently insufficient to determine the role of this variant in disease. Therefore, it has been classified as a Variant of Uncertain Significance. Algorithms developed to predict the effect of missense changes on protein structure and function output the following: SIFT: "Tolerated"; PolyPhen-2: "Benign"; Align-GVGD: "Class C0". The leucine amino acid residue is found in multiple mammalian species, suggesting that this missense change does not adversely affect protein function. These predictions have not been confirmed by published functional studies and their clinical significance is uncertain. This variant has not been reported in the literature in individuals with AFG3L2-related disease. This variant is not present in population databases (ExAC no frequency). This sequence change replaces phenylalanine with leucine at codon 65 of the AFG3L2 protein (p.Phe65Leu). The phenylalanine residue is weakly conserved and there is a small physicochemical difference between phenylalanine and leucine.

NM_006796.3(AFG3L2):c.195C>G (p.Phe65Leu)

Gene: AFG3L2 (AFG3 like matrix AAA peptidase subunit 2; minus strand). Cytogenetic location: 18p11.21.
Variant type: single nucleotide variant.
Coding change: c.195C>G on transcript NM_006796.3 (MANE Select); coding-DNA position 195, C replaced by G.
Protein change: p.Phe65Leu; replaces phenylalanine 65 with leucine.
Molecular consequence: missense variant.
Genome position (GRCh38, 1-based): chr18:12,371,611, G>C on the plus strand (C>G on the coding strand, the complement: AFG3L2 is on the minus strand). VCF-style: chr18-12371611-G-C. GRCh37 (hg19) VCF-style: chr18-12371610-G-C.
Other names: short protein forms F65L.
Identifiers: ClinVar variation 1051388 (VCV001051388.9), dbSNP rs1908993127, ClinGen allele CA401955258.